The following is an entry in ClinVar:

ClinVar aggregate classification (germline): Likely benign (1 of 4 stars; one submission).

gnomAD v4.1: 3 of 1,574,670 alleles (0.00019%); highest among the groups gnomAD compares: Admixed American, 0.0018%; no homozygotes.

Submission:

CeGaT Center for Human Genetics Tuebingen
Classification: Likely benign. Last evaluated: 2025-03-01. Review status: criteria provided, single submitter. Criteria: CeGaT Center For Human Genetics Tuebingen Variant Classification Criteria Version 2. Collection method: clinical testing. Allele origin: germline. Affected: yes. Observed: 1 variant allele.
Comment: LTBP4: BP4, BP7

NM_001042545.2(LTBP4):c.2532C>T (p.Pro844=)

Gene: LTBP4 (latent transforming growth factor beta binding protein 4; plus strand). Cytogenetic location: 19q13.2.
Variant type: single nucleotide variant.
Coding change: c.2532C>T on transcript NM_001042545.2 (MANE Select); coding-DNA position 2532, C replaced by T.
Protein change: p.Pro844=; no amino-acid change (proline 844 retained).
Molecular consequence: synonymous variant.
Genome position (GRCh38, 1-based): chr19:40,613,504, C>T. VCF-style: chr19-40613504-C-T. GRCh37 (hg19) VCF-style: chr19-41119410-C-T.
Other names: c.2733C>T, p.Pro911= (NM_001042544.1); c.2622C>T, p.Pro874= (NM_003573.2).
Identifiers: ClinVar variation 3778475 (VCV003778475.7).